The following is an entry in ClinVar:

ClinVar aggregate classification (germline): Uncertain significance (1 of 4 stars; one submission).

Submission:

GeneDx
Classification: Uncertain significance. Last evaluated: 2025-07-04. Review status: criteria provided, single submitter. Criteria: GeneDx Variant Classification Process June 2021. Collection method: clinical testing. Allele origin: germline. Affected: yes.
Comment: Although located in a calcium-binding EGF-like domain of the FBN2 gene, it does not substitute or introduce a cysteine residue (PMID: 19006240, 18767143); In silico analysis supports that this missense variant has a deleterious effect on protein structure/function; Not observed at significant frequency in large population cohorts (gnomAD); Has not been previously published as pathogenic or benign to our knowledge; This variant is associated with the following publications: (PMID: 19006240, 18767143)

NM_001999.4(FBN2):c.3527A>G (p.Asn1176Ser)

Gene: FBN2 (fibrillin 2; minus strand). Cytogenetic location: 5q23.3.
Variant type: single nucleotide variant.
Coding change: c.3527A>G on transcript NM_001999.4 (MANE Select); coding-DNA position 3527, A replaced by G.
Protein change: p.Asn1176Ser; replaces asparagine 1176 with serine.
Molecular consequence: missense variant.
Genome position (GRCh38, 1-based): chr5:128,338,068, T>C on the plus strand (A>G on the coding strand, the complement: FBN2 is on the minus strand). VCF-style: chr5-128338068-T-C. GRCh37 (hg19) VCF-style: chr5-127673760-T-C.
Other names: short protein forms N1176S.
Identifiers: ClinVar variation 4681146 (VCV004681146.1).